The following is an entry in ClinVar:

NM_000143.4(FH):c.14T>C (p.Leu5Pro)

Gene: FH (fumarate hydratase; minus strand). Cytogenetic location: 1q43.
Variant type: single nucleotide variant.
Coding change: c.14T>C on transcript NM_000143.4 (MANE Select); coding-DNA position 14, T replaced by C.
Protein change: p.Leu5Pro; replaces leucine 5 with proline.
Molecular consequence: missense variant.
Genome position (GRCh38, 1-based): chr1:241,519,709, A>G on the plus strand (T>C on the coding strand, the complement: FH is on the minus strand). VCF-style: chr1-241519709-A-G. GRCh37 (hg19) VCF-style: chr1-241683009-A-G.
Other names: short protein forms L5P.
Identifiers: ClinVar variation 568486 (VCV000568486.14), dbSNP rs200099371, ClinGen allele CA40338101.
Genomic context (GRCh38, chr1:241,519,709, plus strand): 5'-GCCGAAGCTAAGGCTGCGGCTGGAGCCCGCACGAGGGGACGCGAGCGCGCGAGGAGCCGA[A>G]GTGCTCGGTACATGGTGCTGAGGGAGCTTGGGTAGAATTTCTGGGCGGCTGTGGCCACGC-3'
Protein context (NP_000134.2, residues 1-15): MYRA[Leu5Pro]RLLARSRPLV

ClinVar aggregate classification (germline): Uncertain significance. Review status: criteria provided, multiple submitters, no conflicts (2 of 4 stars). 2 submissions from 2 submitters: Uncertain significance (2). Last evaluated 2025-03-20.

Conditions:
Hereditary cancer-predisposing syndrome. Also called: Neoplastic Syndromes, Hereditary; Tumor predisposition; Hereditary neoplastic syndrome; Hereditary Cancer Syndrome. Identifiers: Orphanet 140162, MedGen C0027672, MeSH D009386, MONDO:0015356.

Allele frequency attached by ClinVar (database versions not stated): gnomAD exomes below 0.00001.
gnomAD v4.1: 1 of 1,546,936 alleles (0.000065%); highest among the groups gnomAD compares: Non-Finnish European, 0.000087%; no homozygotes.

Submissions (2):

Ambry Genetics
Classification: Uncertain significance for Hereditary cancer-predisposing syndrome. Last evaluated: 2025-03-20. Review status: criteria provided, single submitter. Criteria: Ambry Variant Classification Scheme 2023. Collection method: clinical testing. Allele origin: germline.
Comment: The p.L5P variant (also known as c.14T>C), located in coding exon 1 of the FH gene, results from a T to C substitution at nucleotide position 14. The leucine at codon 5 is replaced by proline, an amino acid with similar properties. This amino acid position is not well conserved in available vertebrate species. In addition, the in silico prediction for this alteration is inconclusive. Based on the available evidence, the clinical significance of this variant remains unclear.

Labcorp Genetics (formerly Invitae), Labcorp
Classification: Uncertain significance. Last evaluated: 2024-10-23. Review status: criteria provided, single submitter. Criteria: Invitae Variant Classification Sherloc (09022015). Collection method: clinical testing. Allele origin: germline.
Comment: This sequence change replaces leucine, which is neutral and non-polar, with proline, which is neutral and non-polar, at codon 5 of the FH protein (p.Leu5Pro). This variant is not present in population databases (gnomAD no frequency). This variant has not been reported in the literature in individuals affected with FH-related conditions. ClinVar contains an entry for this variant (Variation ID: 568486). Invitae Evidence Modeling of protein sequence and biophysical properties (such as structural, functional, and spatial information, amino acid conservation, physicochemical variation, residue mobility, and thermodynamic stability) indicates that this missense variant is not expected to disrupt FH protein function with a negative predictive value of 95%. In summary, the available evidence is currently insufficient to determine the role of this variant in disease. Therefore, it has been classified as a Variant of Uncertain Significance.